The following is an entry in ClinVar:

NM_001044385.3(TMEM237):c.214C>G (p.Leu72Val)

Gene: TMEM237 (transmembrane protein 237; minus strand). Cytogenetic location: 2q33.1.
Variant type: single nucleotide variant.
Coding change: c.214C>G on transcript NM_001044385.3 (MANE Select); coding-DNA position 214, C replaced by G.
Protein change: p.Leu72Val; replaces leucine 72 with valine.
Molecular consequence: missense variant.
Genome position (GRCh38, 1-based): chr2:201,636,808, G>C on the plus strand (C>G on the coding strand, the complement: TMEM237 is on the minus strand). VCF-style: chr2-201636808-G-C. GRCh37 (hg19) VCF-style: chr2-202501531-G-C.
Other names: c.190C>G, p.Leu64Val (NM_152388.4); short protein forms L64V, L72V.
Identifiers: ClinVar variation 1413963 (VCV001413963.6), dbSNP rs1369476710, ClinGen allele CA350315906.

ClinVar aggregate classification (germline): Uncertain significance (1 of 4 stars; one submission).

Conditions:
Joubert syndrome 14 (JBTS14). Identifiers: MedGen C3280766, MONDO:0013745, OMIM 614424.

Allele frequency attached by ClinVar (database versions not stated): TOPMed below 0.00001.

Submission:

Labcorp Genetics (formerly Invitae), Labcorp
Classification: Uncertain significance for Joubert syndrome 14. Last evaluated: 2021-01-11. Review status: criteria provided, single submitter. Criteria: Invitae Variant Classification Sherloc (09022015). Collection method: clinical testing. Allele origin: germline.
Comment: In summary, the available evidence is currently insufficient to determine the role of this variant in disease. Therefore, it has been classified as a Variant of Uncertain Significance. Algorithms developed to predict the effect of missense changes on protein structure and function (SIFT, PolyPhen-2, Align-GVGD) all suggest that this variant is likely to be tolerated, but these predictions have not been confirmed by published functional studies and their clinical significance is uncertain. This variant has not been reported in the literature in individuals with TMEM237-related conditions. This variant is not present in population databases (ExAC no frequency). This sequence change replaces leucine with valine at codon 72 of the TMEM237 protein (p.Leu72Val). The leucine residue is weakly conserved and there is a small physicochemical difference between leucine and valine.